The following is an entry in ClinVar:

NM_001349253.2(SCN11A):c.4328-3G>A

Gene: SCN11A (sodium voltage-gated channel alpha subunit 11; minus strand). Cytogenetic location: 3p22.2.
Variant type: single nucleotide variant.
Coding change: c.4328-3G>A on transcript NM_001349253.2 (MANE Select); 3 bases into the intron before coding-DNA position 4328, G replaced by A.
Molecular consequence: intron variant.
Genome position (GRCh38, 1-based): chr3:38,847,745, C>T on the plus strand (G>A on the coding strand, the complement: SCN11A is on the minus strand). VCF-style: chr3-38847745-C-T. GRCh37 (hg19) VCF-style: chr3-38889236-C-T.
Other names: c.4328-3G>A (NM_014139.3).
Identifiers: ClinVar variation 840492 (VCV000840492.6), dbSNP rs2064700309, ClinGen allele CA916082566.

ClinVar aggregate classification (germline): Uncertain significance (1 of 4 stars; one submission).

Conditions:
Hereditary sensory and autonomic neuropathy type 7. Also called: Neuropathy, hereditary sensory and autonomic, type VII; HSAN VII. Identifiers: Orphanet 391397, MedGen C3809882, MONDO:0014244, OMIM 615548.
Familial episodic pain syndrome with predominantly lower limb involvement. Also called: Episodic pain syndrome, familial, 3. Identifiers: Orphanet 391384, Orphanet 391392, MedGen C3809899, MONDO:0014247, OMIM 615552.

Submission:

Labcorp Genetics (formerly Invitae), Labcorp
Classification: Uncertain significance for Familial episodic pain syndrome with predominantly lower limb involvement; Hereditary sensory and autonomic neuropathy type 7. Last evaluated: 2021-05-14. Review status: criteria provided, single submitter. Criteria: Invitae Variant Classification Sherloc (09022015). Collection method: clinical testing. Allele origin: germline.
Comment: In summary, the available evidence is currently insufficient to determine the role of this variant in disease. Therefore, it has been classified as a Variant of Uncertain Significance. Nucleotide substitutions within the consensus splice site are a relatively common cause of aberrant splicing (PMID: 17576681, 9536098). Algorithms developed to predict the effect of sequence changes on RNA splicing suggest that this variant is not likely to affect RNA splicing, but this prediction has not been confirmed by published transcriptional studies. This variant has not been reported in the literature in individuals with SCN11A-related conditions. This variant is not present in population databases (ExAC no frequency). This sequence change falls in intron 25 of the SCN11A gene. It does not directly change the encoded amino acid sequence of the SCN11A protein, but it affects a nucleotide within the consensus splice site of the intron.

Literature cited by the submitters: PubMed 17576681; PubMed 9536098.